The following is an entry in ClinVar:

ClinVar aggregate classification (germline): Uncertain significance; association. Review status: criteria provided, multiple submitters, no conflicts (2 of 4 stars). 2 submissions from 2 submitters: Uncertain significance (1). Last evaluated 2023-12-17.

Conditions:
Neural tube defect (NTD). Also called: Neural tube defects. Identifiers: Orphanet 3388, Orphanet 823, MedGen C0027794, MONDO:0018075, HP:0045005.

Allele frequency attached by ClinVar (database versions not stated): TOPMed below 0.00001; gnomAD 0.00001; gnomAD exomes 0.00002 and 0.00005; ExAC 0.00005.
gnomAD v4.1: 26 of 1,613,448 alleles (0.0016%); highest among the groups gnomAD compares: South Asian, 0.025%; no homozygotes.

Submissions (2):

Ambry Genetics
Classification: Uncertain significance. Last evaluated: 2023-12-17. Review status: criteria provided, single submitter. Criteria: Ambry Variant Classification Scheme 2023. Collection method: clinical testing. Allele origin: germline.

Diagnostics Services (NGS), CSIR - Centre For Cellular And Molecular Biology
Classification: association for Neural tube defects, susceptibility to. Last evaluated: 2021-11-08. Review status: criteria provided, single submitter. Criteria: ACMG Guidelines, 2015. Collection method: clinical testing. Allele origin: unknown. Inheritance: Autosomal dominant inheritance. Affected: yes. Observed: 1 variant allele, 1 heterozygote.
Comment: The c.446C>T variant is not present in publicly available population databases like 1000 Genomes and EVS. The heterozygous state of the variant is present in ExAC, gnomAD and dbSNP at a very low frequency. The heterozygous state of the variants are also present in Indian Exome Database and in our in-house exome database at a very low frequency. The variant was not earlier reported to ClinVar, HGMD and/or OMIM databases in any affected individuals. Predictions from different in-silico pathogenicity prediction programs like SIFT, PolyPhen-2, MutationTaster2, CADD etc. predicted this variant to be likely deleterious but these predictions have not been confirmed by published functional studies and it's clinical significance is uncertain.

NM_025129.5(FUZ):c.446C>T (p.Thr149Ile)

Gene: FUZ (fuzzy planar cell polarity protein; minus strand). Cytogenetic location: 19q13.33.
Variant type: single nucleotide variant.
Coding change: c.446C>T on transcript NM_025129.5 (MANE Select); coding-DNA position 446, C replaced by T.
Protein change: p.Thr149Ile; replaces threonine 149 with isoleucine.
Molecular consequence: missense variant. On other transcripts: non-coding transcript variant (1).
Genome position (GRCh38, 1-based): chr19:49,811,409, G>A on the plus strand (C>T on the coding strand, the complement: FUZ is on the minus strand). VCF-style: chr19-49811409-G-A. GRCh37 (hg19) VCF-style: chr19-50314666-G-A.
Other names: c.338C>T, p.Thr113Ile (NM_001171937.2); c.446C>T, p.Thr149Ile (NM_001352262.2); c.296C>T, p.Thr99Ile (NM_001363663.1); c.446C>T (NM_025129.4); short protein forms T113I, T149I, T99I.
Identifiers: ClinVar variation 1329476 (VCV001329476.4), dbSNP rs762455950, ClinGen allele CA9584455.
Genomic context (GRCh38, chr19:49,811,409, plus strand): 5'-AGCATCCCCAGTACCTGCAAGAGGGACCCCTCTGGAGGAATCACGCAGTCCACACACTGG[G>A]TCAGGTCCCCGATGAGCTCCGAGTCCCCCAGGAAGCTGTCGATGAGGCAATAACTGGCCT-3'
Protein context (NP_079405.2, residues 139-159): LGDSELIGDL[Thr149Ile]QCVDCVIPPE